The following is an entry in ClinVar:

NM_006019.4(TCIRG1):c.1306-3C>A

Gene: TCIRG1 (T cell immune regulator 1, ATPase H+ transporting V0 subunit a3; plus strand). Cytogenetic location: 11q13.2.
Variant type: single nucleotide variant.
Coding change: c.1306-3C>A on transcript NM_006019.4 (MANE Select); 3 bases into the intron before coding-DNA position 1306, C replaced by A.
Molecular consequence: intron variant.
Genome position (GRCh38, 1-based): chr11:68,047,644, C>A. VCF-style: chr11-68047644-C-A. GRCh37 (hg19) VCF-style: chr11-67815111-C-A.
Other names: c.412-3C>A (NM_001351059.2); c.658-3C>A (NM_006053.4).
Identifiers: ClinVar variation 2171198 (VCV002171198.3), dbSNP rs764774078, ClinGen allele CA6147074.
Genomic context (GRCh38, chr11:68,047,644, plus strand): 5'-GGCTGGGGTCCTGATGAGGGTAGCAGGGCCAGGCAGCCCCTCACCACACCACTGCCCCCC[C>A]AGATCTGGCAGACTTTCTTCAGGGGCCGCTACCTGCTCCTGCTTATGGGCCTGTTCTCCA-3'

ClinVar aggregate classification (germline): Uncertain significance (1 of 4 stars; one submission).

Allele frequency attached by ClinVar (database versions not stated): ExAC 0.00001; TOPMed 0.00001.
gnomAD v4.1: 12 of 1,613,194 alleles (0.00074%); highest among the groups gnomAD compares: South Asian, 0.0022%; no homozygotes.

Submission:

Labcorp Genetics (formerly Invitae), Labcorp
Classification: Uncertain significance. Last evaluated: 2024-10-07. Review status: criteria provided, single submitter. Criteria: Invitae Variant Classification Sherloc (09022015). Collection method: clinical testing. Allele origin: germline.
Comment: This sequence change falls in intron 11 of the TCIRG1 gene. It does not directly change the encoded amino acid sequence of the TCIRG1 protein. It affects a nucleotide within the consensus splice site. This variant is present in population databases (rs764774078, gnomAD 0.003%). This variant has not been reported in the literature in individuals affected with TCIRG1-related conditions. ClinVar contains an entry for this variant (Variation ID: 2171198). Variants that disrupt the consensus splice site are a relatively common cause of aberrant splicing (PMID: 17576681, 9536098). Algorithms developed to predict the effect of sequence changes on RNA splicing suggest that this variant may disrupt the consensus splice site. In summary, the available evidence is currently insufficient to determine the role of this variant in disease. Therefore, it has been classified as a Variant of Uncertain Significance.

Literature cited by the submitters: PubMed 17576681; PubMed 9536098.